The following is an entry in ClinVar:

ClinVar aggregate classification (germline): Uncertain significance (1 of 4 stars; one submission).

Conditions:
Retinitis pigmentosa 71 (RP71). Identifiers: Orphanet 791, MedGen C4225342, MONDO:0014618, OMIM 616394.
Short-rib thoracic dysplasia 10 with or without polydactyly (SRTD10). Identifiers: Orphanet 474, MedGen C3810175, MONDO:0014284, OMIM 615630.

Submission:

Labcorp Genetics (formerly Invitae), Labcorp
Classification: Uncertain significance for Retinitis pigmentosa 71; Short-rib thoracic dysplasia 10 with or without polydactyly. Last evaluated: 2022-02-22. Review status: criteria provided, single submitter. Criteria: Invitae Variant Classification Sherloc (09022015). Collection method: clinical testing. Allele origin: germline.
Comment: This sequence change falls in intron 9 of the IFT172 gene. It does not directly change the encoded amino acid sequence of the IFT172 protein. It affects a nucleotide within the consensus splice site. This variant is not present in population databases (gnomAD no frequency). This variant has not been reported in the literature in individuals affected with IFT172-related conditions. Variants that disrupt the consensus splice site are a relatively common cause of aberrant splicing (PMID: 17576681, 9536098). Algorithms developed to predict the effect of sequence changes on RNA splicing suggest that this variant is not likely to affect RNA splicing. In summary, the available evidence is currently insufficient to determine the role of this variant in disease. Therefore, it has been classified as a Variant of Uncertain Significance.

Literature cited by the submitters: PubMed 17576681; PubMed 9536098.

NM_015662.3(IFT172):c.909+3G>A

Gene: IFT172 (intraflagellar transport 172; minus strand). Cytogenetic location: 2p23.3.
Variant type: single nucleotide variant.
Coding change: c.909+3G>A on transcript NM_015662.3 (MANE Select); 3 bases into the intron after coding-DNA position 909, G replaced by A.
Molecular consequence: intron variant.
Genome position (GRCh38, 1-based): chr2:27,480,023, C>T on the plus strand (G>A on the coding strand, the complement: IFT172 is on the minus strand). VCF-style: chr2-27480023-C-T. GRCh37 (hg19) VCF-style: chr2-27702890-C-T.
Identifiers: ClinVar variation 1416084 (VCV001416084.3), dbSNP rs2148547848, ClinGen allele CA2573134441.